The following is an entry in ClinVar:

NM_007357.3(COG2):c.936G>A (p.Leu312=)

Gene: COG2 (component of oligomeric golgi complex 2; plus strand). Cytogenetic location: 1q42.2.
Variant type: single nucleotide variant.
Coding change: c.936G>A on transcript NM_007357.3 (MANE Select); coding-DNA position 936, G replaced by A.
Protein change: p.Leu312=; no amino-acid change (leucine 312 retained).
Molecular consequence: synonymous variant.
Genome position (GRCh38, 1-based): chr1:230,675,034, G>A. VCF-style: chr1-230675034-G-A. GRCh37 (hg19) VCF-style: chr1-230810780-G-A.
Other names: c.936G>A, p.Leu312= (NM_001145036.2).
Identifiers: ClinVar variation 941212 (VCV000941212.6), dbSNP rs1662550597, ClinGen allele CA423874715.

ClinVar aggregate classification (germline): Uncertain significance (1 of 4 stars; one submission).

Conditions:
Congenital disorder of glycosylation, type IIq. Also called: CDG IIq. Identifiers: Orphanet 435934, MedGen C4479353, MONDO:0054559, OMIM 617395.

gnomAD v4.1: 1 of 1,611,732 alleles (0.000062%); highest among the groups gnomAD compares: South Asian, 0.0011%; no homozygotes.

Submission:

Labcorp Genetics (formerly Invitae), Labcorp
Classification: Uncertain significance for Congenital disorder of glycosylation, type IIq. Last evaluated: 2019-07-01. Review status: criteria provided, single submitter. Criteria: Invitae Variant Classification Sherloc (09022015). Collection method: clinical testing. Allele origin: germline.
Comment: In summary, the available evidence is currently insufficient to determine the role of this variant in disease. Therefore, it has been classified as a Variant of Uncertain Significance. Algorithms developed to predict the effect of sequence changes on RNA splicing suggest that this variant may create or strengthen a splice site, but this prediction has not been confirmed by published transcriptional studies. This variant has not been reported in the literature in individuals with COG2-related conditions. This variant is not present in population databases (ExAC no frequency). This sequence change affects codon 312 of the COG2 mRNA. It is a 'silent' change, meaning that it does not change the encoded amino acid sequence of the COG2 protein.